The following is an entry in ClinVar:

NM_000094.4(COL7A1):c.1298T>C (p.Leu433Pro)

Gene: COL7A1 (collagen type VII alpha 1 chain; minus strand). Cytogenetic location: 3p21.31.
Variant type: single nucleotide variant.
Coding change: c.1298T>C on transcript NM_000094.4 (MANE Select); coding-DNA position 1298, T replaced by C.
Protein change: p.Leu433Pro; replaces leucine 433 with proline.
Molecular consequence: missense variant.
Genome position (GRCh38, 1-based): chr3:48,591,957, A>G on the plus strand (T>C on the coding strand, the complement: COL7A1 is on the minus strand). VCF-style: chr3-48591957-A-G. GRCh37 (hg19) VCF-style: chr3-48629390-A-G.
Other names: short protein forms L433P.
Identifiers: ClinVar variation 4766884 (VCV004766884.1).

ClinVar aggregate classification (germline): Uncertain significance (1 of 4 stars; one submission).

gnomAD v4.1: 2 of 1,614,204 alleles (0.00012%); highest among the groups gnomAD compares: African/African-American, 0.0027%; no homozygotes.

Submission:

Labcorp Genetics (formerly Invitae), Labcorp
Classification: Uncertain significance. Last evaluated: 2025-05-19. Review status: criteria provided, single submitter. Criteria: Invitae Variant Classification Sherloc (09022015). Collection method: clinical testing. Allele origin: germline.
Comment: This sequence change replaces leucine, which is neutral and non-polar, with proline, which is neutral and non-polar, at codon 433 of the COL7A1 protein (p.Leu433Pro). This variant is not present in population databases (gnomAD no frequency). This variant has not been reported in the literature in individuals affected with COL7A1-related conditions. Invitae Evidence Modeling of protein sequence and biophysical properties (such as structural, functional, and spatial information, amino acid conservation, physicochemical variation, residue mobility, and thermodynamic stability) indicates that this missense variant is not expected to disrupt COL7A1 protein function with a negative predictive value of 95%. In summary, the available evidence is currently insufficient to determine the role of this variant in disease. Therefore, it has been classified as a Variant of Uncertain Significance.